The following is an entry in ClinVar:

NM_030957.4(ADAMTS10):c.2060G>T (p.Gly687Val)

Gene: ADAMTS10 (ADAM metallopeptidase with thrombospondin type 1 motif 10; minus strand). Cytogenetic location: 19p13.2.
Variant type: single nucleotide variant.
Coding change: c.2060G>T on transcript NM_030957.4 (MANE Select); coding-DNA position 2060, G replaced by T.
Protein change: p.Gly687Val; replaces glycine 687 with valine.
Molecular consequence: missense variant.
Genome position (GRCh38, 1-based): chr19:8,589,340, C>A on the plus strand (G>T on the coding strand, the complement: ADAMTS10 is on the minus strand). VCF-style: chr19-8589340-C-A. GRCh37 (hg19) VCF-style: chr19-8654224-C-A.
Other names: c.521G>T, p.Gly174Val (NM_001282352.2); short protein forms G174V, G687V.
Identifiers: ClinVar variation 1998394 (VCV001998394.4), dbSNP rs2512591736, ClinGen allele CA403750627.

ClinVar aggregate classification (germline): Uncertain significance (1 of 4 stars; one submission).

Submission:

Labcorp Genetics (formerly Invitae), Labcorp
Classification: Uncertain significance. Last evaluated: 2024-04-01. Review status: criteria provided, single submitter. Criteria: Invitae Variant Classification Sherloc (09022015). Collection method: clinical testing. Allele origin: germline.
Comment: This sequence change replaces glycine, which is neutral and non-polar, with valine, which is neutral and non-polar, at codon 687 of the ADAMTS10 protein (p.Gly687Val). This variant is not present in population databases (gnomAD no frequency). This variant has not been reported in the literature in individuals affected with ADAMTS10-related conditions. ClinVar contains an entry for this variant (Variation ID: 1998394). An algorithm developed to predict the effect of missense changes on protein structure and function (PolyPhen-2) suggests that this variant is likely to be disruptive. In summary, the available evidence is currently insufficient to determine the role of this variant in disease. Therefore, it has been classified as a Variant of Uncertain Significance.